The following is an entry in ClinVar:

NM_000350.3(ABCA4):c.1460G>C (p.Arg487Pro)

Gene: ABCA4 (ATP binding cassette subfamily A member 4; minus strand). Cytogenetic location: 1p22.1.
Variant type: single nucleotide variant.
Coding change: c.1460G>C on transcript NM_000350.3 (MANE Select); coding-DNA position 1460, G replaced by C.
Protein change: p.Arg487Pro; replaces arginine 487 with proline.
Molecular consequence: missense variant.
Genome position (GRCh38, 1-based): chr1:94,077,784, C>G on the plus strand (G>C on the coding strand, the complement: ABCA4 is on the minus strand). VCF-style: chr1-94077784-C-G. GRCh37 (hg19) VCF-style: chr1-94543340-C-G.
Other names: c.1460G>C (NM_000350.2); c.1460G>C, p.Arg487Pro (NM_001425324.1); short protein forms R487P.
Identifiers: ClinVar variation 1051526 (VCV001051526.9), dbSNP rs145614671, ClinGen allele CA26866870.

ClinVar aggregate classification (germline): Uncertain significance. Review status: criteria provided, multiple submitters, no conflicts (2 of 4 stars). 3 submissions from 3 submitters: Uncertain significance (3). Last evaluated 2024-08-01.

Conditions:
Inborn genetic diseases. Identifiers: MedGen C0950123, MeSH D030342.

gnomAD v4.1: 16 of 1,614,034 alleles (0.00099%); highest among the groups gnomAD compares: African/African-American, 0.019%; no homozygotes.

Submissions (3):

Ambry Genetics
Classification: Uncertain significance for Inborn genetic diseases. Last evaluated: 2024-08-01. Review status: criteria provided, single submitter. Criteria: Ambry Variant Classification Scheme 2023. Collection method: clinical testing. Allele origin: germline.

Labcorp Genetics (formerly Invitae), Labcorp
Classification: Uncertain significance. Last evaluated: 2022-10-05. Review status: criteria provided, single submitter. Criteria: Invitae Variant Classification Sherloc (09022015). Collection method: clinical testing. Allele origin: germline.
Comment: This sequence change replaces arginine, which is basic and polar, with proline, which is neutral and non-polar, at codon 487 of the ABCA4 protein (p.Arg487Pro). This variant is present in population databases (no rsID available, gnomAD 0.02%). This missense change has been observed in individual(s) with clinical features of Stargardt disease (Invitae). ClinVar contains an entry for this variant (Variation ID: 1051526). Advanced modeling of protein sequence and biophysical properties (such as structural, functional, and spatial information, amino acid conservation, physicochemical variation, residue mobility, and thermodynamic stability) performed at Invitae indicates that this missense variant is not expected to disrupt ABCA4 protein function. In summary, the available evidence is currently insufficient to determine the role of this variant in disease. Therefore, it has been classified as a Variant of Uncertain Significance.

Blueprint Genetics
Classification: Uncertain significance. Last evaluated: 2019-10-29. Review status: criteria provided, single submitter. Criteria: ACMG Guidelines, 2015. Collection method: clinical testing. Allele origin: germline.